The following is an entry in ClinVar:

ClinVar aggregate classification (germline): Uncertain significance (1 of 4 stars; one submission).

Submission:

CeGaT Center for Human Genetics Tuebingen
Classification: Uncertain significance. Last evaluated: 2024-09-01. Review status: criteria provided, single submitter. Criteria: CeGaT Center For Human Genetics Tuebingen Variant Classification Criteria Version 2. Collection method: clinical testing. Allele origin: germline. Affected: yes. Observed: 1 variant allele.
Comment: VCP: PM2, PP2, PP3, PS4:Supporting

NM_007126.5(VCP):c.397G>A (p.Val133Ile)

Gene: VCP (valosin containing protein; minus strand). Cytogenetic location: 9p13.3.
Variant type: single nucleotide variant.
Coding change: c.397G>A on transcript NM_007126.5 (MANE Select); coding-DNA position 397, G replaced by A.
Protein change: p.Val133Ile; replaces valine 133 with isoleucine.
Molecular consequence: missense variant.
Genome position (GRCh38, 1-based): chr9:35,066,723, C>T on the plus strand (G>A on the coding strand, the complement: VCP is on the minus strand). VCF-style: chr9-35066723-C-T. GRCh37 (hg19) VCF-style: chr9-35066720-C-T.
Other names: c.262G>A, p.Val88Ile (NM_001354927.2, NM_001354928.2); short protein forms V133I, V88I.
Identifiers: ClinVar variation 3389115 (VCV003389115.14).